The following is an entry in ClinVar:

ClinVar aggregate classification (germline): Uncertain significance (1 of 4 stars; one submission).

Conditions:
46,XY sex reversal 6. Also called: 46,XY SEX REVERSAL, PARTIAL OR COMPLETE, MAP3K1-RELATED; 46,XY GONADAL DYSGENESIS, PARTIAL OR COMPLETE, MAP3K1-RELATED. Identifiers: MedGen C3151064, MONDO:0013410, OMIM 613762.

gnomAD v4.1: 6 of 1,608,498 alleles (0.00037%); highest among the groups gnomAD compares: East Asian, 0.0022%; no homozygotes.

Submission:

Labcorp Genetics (formerly Invitae), Labcorp
Classification: Uncertain significance for 46,XY sex reversal 6. Last evaluated: 2025-08-02. Review status: criteria provided, single submitter. Criteria: Invitae Variant Classification Sherloc (09022015). Collection method: clinical testing. Allele origin: germline.
Comment: This sequence change replaces proline, which is neutral and non-polar, with serine, which is neutral and polar, at codon 485 of the MAP3K1 protein (p.Pro485Ser). This variant is not present in population databases (gnomAD no frequency). This variant has not been reported in the literature in individuals affected with MAP3K1-related conditions. Invitae Evidence Modeling of protein sequence and biophysical properties (such as structural, functional, and spatial information, amino acid conservation, physicochemical variation, residue mobility, and thermodynamic stability) indicates that this missense variant is not expected to disrupt MAP3K1 protein function with a negative predictive value of 80%. In summary, the available evidence is currently insufficient to determine the role of this variant in disease. Therefore, it has been classified as a Variant of Uncertain Significance.

NM_005921.2(MAP3K1):c.1453C>T (p.Pro485Ser)

Gene: MAP3K1 (mitogen-activated protein kinase kinase kinase 1; plus strand). Cytogenetic location: 5q11.2.
Variant type: single nucleotide variant.
Coding change: c.1453C>T on transcript NM_005921.2 (MANE Select); coding-DNA position 1453, C replaced by T.
Protein change: p.Pro485Ser; replaces proline 485 with serine.
Molecular consequence: missense variant.
Genome position (GRCh38, 1-based): chr5:56,872,670, C>T. VCF-style: chr5-56872670-C-T. GRCh37 (hg19) VCF-style: chr5-56168497-C-T.
Other names: short protein forms P485S.
Identifiers: ClinVar variation 4781933 (VCV004781933.1).